The following is an entry in ClinVar:

NM_001363118.2(SLC52A2):c.569G>A (p.Arg190His)

Gene: SLC52A2 (solute carrier family 52 member 2; plus strand). Cytogenetic location: 8q24.3.
Variant type: single nucleotide variant.
Coding change: c.569G>A on transcript NM_001363118.2 (MANE Select); coding-DNA position 569, G replaced by A.
Protein change: p.Arg190His; replaces arginine 190 with histidine.
Molecular consequence: missense variant. On other transcripts: non-coding transcript variant (1), intron variant (1).
Genome position (GRCh38, 1-based): chr8:144,360,061, G>A. VCF-style: chr8-144360061-G-A. GRCh37 (hg19) VCF-style: chr8-145583721-G-A.
Other names: c.569G>A, p.Arg190His (NM_001253815.2, NM_001253816.2, NM_001363120.2 and 2 more transcripts); c.131-54G>A (NM_001363122.2); short protein forms R190H.
Identifiers: ClinVar variation 1314162 (VCV001314162.8), dbSNP rs753003655, ClinGen allele CA4938226.

ClinVar aggregate classification (germline): Uncertain significance. Review status: criteria provided, multiple submitters, no conflicts (2 of 4 stars). 3 submissions from 3 submitters: Uncertain significance (3). Last evaluated 2021-11-17.

Conditions:
Brown-Vialetto-van Laere syndrome 2. Also called: SPINOCEREBELLAR ATAXIA WITH BLINDNESS AND DEAFNESS 2; Riboflavin transporter deficiency type 2. Identifiers: Orphanet 572543, Orphanet 97229, MedGen C3553538, MONDO:0013867, OMIM 614707.

Allele frequency attached by ClinVar (database versions not stated): gnomAD exomes 0.00002 and 0.00001; ExAC 0.00003; gnomAD 0.00001.
gnomAD v4.1: 24 of 1,612,782 alleles (0.0015%); highest among the groups gnomAD compares: East Asian, 0.0045%; no homozygotes.

Submissions (3):

Blueprint Genetics
Classification: Uncertain significance. Last evaluated: 2021-11-17. Review status: criteria provided, single submitter. Criteria: ACMG Guidelines, 2015. Collection method: clinical testing. Allele origin: germline.

GeneDx
Classification: Uncertain significance. Last evaluated: 2021-02-26. Review status: criteria provided, single submitter. Criteria: GeneDx Variant Classification Process June 2021. Collection method: clinical testing. Allele origin: germline. Affected: yes.
Comment: Not observed at a significant frequency in large population cohorts (Lek et al., 2016); In silico analysis supports that this missense variant does not alter protein structure/function; Has not been previously published as pathogenic or benign to our knowledge

Labcorp Genetics (formerly Invitae), Labcorp
Classification: Uncertain significance for Brown-Vialetto-van Laere syndrome 2. Last evaluated: 2021-02-10. Review status: criteria provided, single submitter. Criteria: Invitae Variant Classification Sherloc (09022015). Collection method: clinical testing. Allele origin: germline.
Comment: In summary, the available evidence is currently insufficient to determine the role of this variant in disease. Therefore, it has been classified as a Variant of Uncertain Significance. Advanced modeling of protein sequence and biophysical properties (such as structural, functional, and spatial information, amino acid conservation, physicochemical variation, residue mobility, and thermodynamic stability) performed at Invitae indicates that this missense variant is not expected to disrupt SLC52A2 protein function. This variant has not been reported in the literature in individuals with SLC52A2-related conditions. This variant is present in population databases (rs753003655, ExAC 0.01%). This sequence change replaces arginine with histidine at codon 190 of the SLC52A2 protein (p.Arg190His). The arginine residue is moderately conserved and there is a small physicochemical difference between arginine and histidine.